The following is an entry in ClinVar:

NM_000550.3(TYRP1):c.639C>G (p.Phe213Leu)

Gene: TYRP1 (tyrosinase related protein 1; plus strand). Cytogenetic location: 9p23.
Variant type: single nucleotide variant.
Coding change: c.639C>G on transcript NM_000550.3 (MANE Select); coding-DNA position 639, C replaced by G.
Protein change: p.Phe213Leu; replaces phenylalanine 213 with leucine.
Molecular consequence: missense variant.
Genome position (GRCh38, 1-based): chr9:12,695,768, C>G. VCF-style: chr9-12695768-C-G. GRCh37 (hg19) VCF-style: chr9-12695768-C-G.
Other names: short protein forms F213L.
Identifiers: ClinVar variation 1419453 (VCV001419453.8), dbSNP rs1471000423, ClinGen allele CA372937930.

ClinVar aggregate classification (germline): Uncertain significance (1 of 4 stars; one submission).

Allele frequency attached by ClinVar (database versions not stated): gnomAD exomes below 0.00001 and 0.00001.
gnomAD v4.1: 3 of 1,614,144 alleles (0.00019%); highest among the groups gnomAD compares: Non-Finnish European, 0.00025%; no homozygotes.

Submission:

Labcorp Genetics (formerly Invitae), Labcorp
Classification: Uncertain significance. Last evaluated: 2021-04-05. Review status: criteria provided, single submitter. Criteria: Invitae Variant Classification Sherloc (09022015). Collection method: clinical testing. Allele origin: germline.
Comment: In summary, the available evidence is currently insufficient to determine the role of this variant in disease. Therefore, it has been classified as a Variant of Uncertain Significance. This sequence change replaces phenylalanine with leucine at codon 213 of the TYRP1 protein (p.Phe213Leu). The phenylalanine residue is highly conserved and there is a small physicochemical difference between phenylalanine and leucine. This variant is not present in population databases (ExAC no frequency). This variant has not been reported in the literature in individuals with TYRP1-related conditions. Algorithms developed to predict the effect of missense changes on protein structure and function are either unavailable or do not agree on the potential impact of this missense change (SIFT: "Tolerated"; PolyPhen-2: "Probably Damaging"; Align-GVGD: "Class C0").